The following is an entry in ClinVar:

ClinVar aggregate classification (germline): Pathogenic (1 of 4 stars; one submission).

Conditions:
Familial adenomatous polyposis 1 (FAP1). Also called: FAMILIAL ADENOMATOUS POLYPOSIS 1, ATTENUATED; POLYPOSIS, ADENOMATOUS INTESTINAL. Identifiers: MedGen C2713442, MONDO:0021056, OMIM 175100. Disease mechanism: loss of function.

Submission:

Myriad Genetics, Inc.
Classification: Pathogenic for Familial adenomatous polyposis 1. Last evaluated: 2023-05-05. Review status: criteria provided, single submitter. Criteria: Myriad Autosomal Dominant, Autosomal Recessive and X-Linked Classification Criteria (2023). Collection method: clinical testing. Allele origin: unknown.
Comment: This variant is considered pathogenic. This variant creates a termination codon and is predicted to result in premature protein truncation.

NM_000038.6(APC):c.2921dup (p.Gly974_Lys975insTer)

Gene: APC (APC regulator of Wnt signaling pathway; plus strand). Cytogenetic location: 5q22.2.
Variant type: Duplication.
Coding change: c.2921dup on transcript NM_000038.6 (MANE Select); coding-DNA position 2921, one base duplicated (G; older notation c.2921dupG).
Protein change: p.Gly974_Lys975insTer.
Molecular consequence: frameshift variant. On other transcripts: non-coding transcript variant (2).
Genome position (GRCh38, 1-based): chr5:112,838,515, G duplicated; the last of 2 consecutive G bases (chr5:112,838,514-112,838,515); duplicating either gives the same sequence. VCF-style (leftmost placement, unchanged base first): chr5-112838513-T-TG. GRCh37 (hg19) VCF-style: chr5-112174210-T-TG.
Other names: c.2921dup, p.Gly974_Lys975insTer (NM_001127510.3, NM_001354895.2, NM_001407450.1); c.2867dup, p.Gly956_Lys957insTer (NM_001127511.3); c.2975dup, p.Gly992_Lys993insTer (NM_001354896.2, NM_001407447.1, NM_001407448.1 and 1 more transcripts); c.2951dup, p.Gly984_Lys985insTer (NM_001354897.2); c.2846dup, p.Gly949_Lys950insTer (NM_001354898.2); c.2837dup, p.Gly946_Lys947insTer (NM_001354899.2); c.2798dup, p.Gly933_Lys934insTer (NM_001354900.2); c.2744dup, p.Gly915_Lys916insTer (NM_001354901.2, NM_001407453.1); and 11 more.
Identifiers: ClinVar variation 2584098 (VCV002584098.1), dbSNP rs2149880199, ClinGen allele CA2582341455.
Genomic context (GRCh38, chr5:112,838,513, plus strand): 5'-ATTAGAATACAAGAGATCTTCAAATGATAGTTTAAATAGTGTCAGTAGTAGTGATGGTTA[T>TG]GGTAAAAGAGGTCAAATGAAACCCTCGATTGAATCCTATTCTGAAGATGATGAAAGTAAG-3'